The following is an entry in ClinVar:

ClinVar aggregate classification (germline): Likely pathogenic (1 of 4 stars; one submission).

Conditions:
Familial thoracic aortic aneurysm and aortic dissection (TAAD). Also called: Thoracic aortic aneurysms and dissections. Identifiers: Orphanet 91387, MedGen C4707243, MONDO:0019625.
Marfan syndrome (MFS). Also called: FBN1-Related Marfan Syndrome; Marfan syndrome type 1; Marfan's syndrome; Marfan syndrome, classic; MARFAN SYNDROME, TYPE I. Identifiers: Orphanet 284963, Orphanet 558, MedGen C0024796, MONDO:0007947, OMIM 154700.

Submission:

Labcorp Genetics (formerly Invitae), Labcorp
Classification: Likely pathogenic for Marfan syndrome; Familial thoracic aortic aneurysm and aortic dissection. Last evaluated: 2019-03-09. Review status: criteria provided, single submitter. Criteria: Invitae Variant Classification Sherloc (09022015). Collection method: clinical testing. Allele origin: germline.
Comment: This sequence change replaces cysteine with serine at codon 2190 of the FBN1 protein (p.Cys2190Ser). The cysteine residue is highly conserved and there is a moderate physicochemical difference between cysteine and serine. This variant is not present in population databases (ExAC no frequency). This variant has not been reported in the literature in individuals with FBN1-related disease. In summary, the currently available evidence indicates that the variant is pathogenic, but additional data are needed to prove that conclusively. Therefore, this variant has been classified as Likely Pathogenic. Algorithms developed to predict the effect of missense changes on protein structure and function are either unavailable or do not agree on the potential impact of this missense change (SIFT: "Deleterious"; PolyPhen-2: "Probably Damaging"; Align-GVGD: "Class C0"). This variant affects a cysteine residue located within an epidermal-growth-factor (EGF)–like domain of the FBN1 protein. Cysteine residues in these domains have been shown to be involved in the formation of disulfide bridges, which are critical for FBN1 protein structure and stability (PMID: 10486319, 3495735, 4750422, 16677079). In addition, missense substitutions within the FBN1 EGF-like domains affecting cysteine residues are significantly overrepresented among patients with Marfan syndrome (PMID: 16571647, 17701892).

Literature cited by the submitters: PubMed 10486319; PubMed 3495735; PubMed 4750422; PubMed 16677079; PubMed 16571647; PubMed 17701892.

NM_000138.5(FBN1):c.6568T>A (p.Cys2190Ser)

Gene: FBN1 (fibrillin 1; minus strand). Cytogenetic location: 15q21.1.
Variant type: single nucleotide variant.
Coding change: c.6568T>A on transcript NM_000138.5 (MANE Select); coding-DNA position 6568, T replaced by A.
Protein change: p.Cys2190Ser; replaces cysteine 2190 with serine.
Molecular consequence: missense variant.
Genome position (GRCh38, 1-based): chr15:48,434,642, A>T on the plus strand (T>A on the coding strand, the complement: FBN1 is on the minus strand). VCF-style: chr15-48434642-A-T. GRCh37 (hg19) VCF-style: chr15-48726839-A-T.
Other names: short protein forms C2190S.
Identifiers: ClinVar variation 566383 (VCV000566383.10), dbSNP rs1566895263, ClinGen allele CA392334903.